The following is an entry in ClinVar:

NM_013386.5(SLC25A24):c.179A>G (p.Glu60Gly)

Gene: SLC25A24 (solute carrier family 25 member 24; minus strand). Cytogenetic location: 1p13.3.
Variant type: single nucleotide variant.
Coding change: c.179A>G on transcript NM_013386.5 (MANE Select); coding-DNA position 179, A replaced by G.
Protein change: p.Glu60Gly; replaces glutamic acid 60 with glycine.
Molecular consequence: missense variant.
Genome position (GRCh38, 1-based): chr1:108,199,960, T>C on the plus strand (A>G on the coding strand, the complement: SLC25A24 is on the minus strand). VCF-style: chr1-108199960-T-C. GRCh37 (hg19) VCF-style: chr1-108742582-T-C.
Other names: short protein forms E60G.
Identifiers: ClinVar variation 4885164 (VCV004885164.2).

ClinVar aggregate classification (germline): Uncertain significance (1 of 4 stars; one submission).

gnomAD v4.1: 39 of 1,604,216 alleles (0.0024%); highest among the groups gnomAD compares: Admixed American, 0.0034%; no homozygotes.

Submission:

Dasa
Classification: Uncertain significance. Last evaluated: 2026-04-28. Review status: criteria provided, single submitter. Criteria: DASA Assertion Criteria. Collection method: clinical testing. Allele origin: germline.
Comment: NM_013386.5(SLC25A24):c.179A>G (p.Glu60Gly) is a missense variant that results in the substitution of glutamic acid with glycine. This variant is rare in population databases. Computational prediction algorithms are consistent with a benign effect. The currently available literature and clinical evidence are not sufficient to establish a definitive association between this variant and the reported condition. Therefore, this variant is classified as a variant of uncertain significance.